The following is an entry in ClinVar:

ClinVar aggregate classification (germline): Uncertain significance (1 of 4 stars; one submission).

Allele frequency attached by ClinVar (database versions not stated): gnomAD 0.00001.
gnomAD v4.1: 1 of 1,614,044 alleles (0.000062%); highest among the groups gnomAD compares: Middle Eastern, 0.016%; no homozygotes.

Submission:

Labcorp Genetics (formerly Invitae), Labcorp
Classification: Uncertain significance. Last evaluated: 2022-06-03. Review status: criteria provided, single submitter. Criteria: Invitae Variant Classification Sherloc (09022015). Collection method: clinical testing. Allele origin: germline.
Comment: This sequence change replaces glutamine, which is neutral and polar, with glutamic acid, which is acidic and polar, at codon 1781 of the VCAN protein (p.Gln1781Glu). This variant is not present in population databases (gnomAD no frequency). This variant has not been reported in the literature in individuals affected with VCAN-related conditions. Algorithms developed to predict the effect of missense changes on protein structure and function output the following: SIFT: "Tolerated"; PolyPhen-2: "Benign"; Align-GVGD: "Class C0". The glutamic acid amino acid residue is found in multiple mammalian species, which suggests that this missense change does not adversely affect protein function. In summary, the available evidence is currently insufficient to determine the role of this variant in disease. Therefore, it has been classified as a Variant of Uncertain Significance.

NM_004385.5(VCAN):c.5341C>G (p.Gln1781Glu)

Genes: VCAN (versican; plus strand), VCAN-AS1 (VCAN antisense RNA 1; minus strand). Cytogenetic location: 5q14.3.
Variant type: single nucleotide variant.
Coding change: c.5341C>G on transcript NM_004385.5 (MANE Select); coding-DNA position 5341, C replaced by G.
Protein change: p.Gln1781Glu; replaces glutamine 1781 with glutamic acid.
Molecular consequence: missense variant. On other transcripts: intron variant (2).
Genome position (GRCh38, 1-based): chr5:83,538,344, C>G. VCF-style: chr5-83538344-C-G. GRCh37 (hg19) VCF-style: chr5-82834163-C-G.
Other names: c.2380C>G, p.Gln794Glu (NM_001164097.2); c.4004-7193C>G (NM_001164098.2); c.1043-7193C>G (NM_001126336.3); short protein forms Q794E, Q1781E.
Identifiers: ClinVar variation 1933430 (VCV001933430.5), dbSNP rs2112442148, ClinGen allele CA360310198.